The following is an entry in ClinVar:

ClinVar aggregate classification (germline): Uncertain significance (1 of 4 stars; one submission).

gnomAD v4.1: 1 of 1,613,304 alleles (0.000062%); highest among the groups gnomAD compares: Non-Finnish European, 0.000085%; no homozygotes.

Submission:

Ambry Genetics
Classification: Uncertain significance. Last evaluated: 2021-09-12. Review status: criteria provided, single submitter. Criteria: Ambry Variant Classification Scheme 2023. Collection method: clinical testing. Allele origin: germline.
Comment: The p.L805F variant (also known as c.2415G>T), located in coding exon 21 of the PRKDC gene, results from a G to T substitution at nucleotide position 2415. The leucine at codon 805 is replaced by phenylalanine, an amino acid with highly similar properties. This amino acid position is conserved. In addition, this alteration is predicted to be tolerated by in silico analysis. Since supporting evidence is limited at this time, the clinical significance of this alteration remains unclear.

NM_006904.7(PRKDC):c.2415G>T (p.Leu805Phe)

Gene: PRKDC (protein kinase, DNA-activated, catalytic subunit; minus strand). Cytogenetic location: 8q11.21.
Variant type: single nucleotide variant.
Coding change: c.2415G>T on transcript NM_006904.7 (MANE Select); coding-DNA position 2415, G replaced by T.
Protein change: p.Leu805Phe; replaces leucine 805 with phenylalanine.
Molecular consequence: missense variant.
Genome position (GRCh38, 1-based): chr8:47,927,198, C>A on the plus strand (G>T on the coding strand, the complement: PRKDC is on the minus strand). VCF-style: chr8-47927198-C-A. GRCh37 (hg19) VCF-style: chr8-48839758-C-A.
Other names: c.2415G>T, p.Leu805Phe (NM_001081640.2); short protein forms L805F.
Identifiers: ClinVar variation 1790933 (VCV001790933.2), dbSNP rs770194016, ClinGen allele CA371161641.